The following is an entry in ClinVar:

NM_001369.3(DNAH5):c.9940C>T (p.Arg3314Cys)

Gene: DNAH5 (dynein axonemal heavy chain 5; minus strand). Cytogenetic location: 5p15.2.
Variant type: single nucleotide variant.
Coding change: c.9940C>T on transcript NM_001369.3 (MANE Select); coding-DNA position 9940, C replaced by T.
Protein change: p.Arg3314Cys; replaces arginine 3314 with cysteine.
Molecular consequence: missense variant.
Genome position (GRCh38, 1-based): chr5:13,766,137, G>A on the plus strand (C>T on the coding strand, the complement: DNAH5 is on the minus strand). VCF-style: chr5-13766137-G-A. GRCh37 (hg19) VCF-style: chr5-13766246-G-A.
Other names: c.9940C>T (NM_001369.2); short protein forms R3314C.
Identifiers: ClinVar variation 1428587 (VCV001428587.6), dbSNP rs755923477, ClinGen allele CA3202374.
Genomic context (GRCh38, chr5:13,766,137, plus strand): 5'-CTTTCCTTTGAAACAGCAGCAGTACGCAATCCATGATCCGCATGATGAGGTGAGGGGGGC[G>A]GCCCAACGTGCGAACAGTGGCGATGTCCGAAGGCCTGATGGTCTGGGGGATGAAAGGAAC-3'
Protein context (NP_001360.1, residues 3304-3324): SDIATVRTLG[Arg3314Cys]PPHLIMRIMD

ClinVar aggregate classification (germline): Uncertain significance. Review status: criteria provided, multiple submitters, no conflicts (2 of 4 stars). 2 submissions from 2 submitters: Uncertain significance (2). Last evaluated 2023-12-19.

Conditions:
Primary ciliary dyskinesia. Also called: Ciliary dyskinesia. Identifiers: Orphanet 244, MedGen C0008780, MONDO:0016575, HP:0012265.

Allele frequency attached by ClinVar (database versions not stated): gnomAD exomes below 0.00001 and 0.00001; ExAC 0.00001.
gnomAD v4.1: 8 of 1,614,174 alleles (0.0005%); highest among the groups gnomAD compares: Non-Finnish European, 0.00068%; no homozygotes.

Submissions (2):

Ambry Genetics
Classification: Uncertain significance for Primary ciliary dyskinesia. Last evaluated: 2023-12-19. Review status: criteria provided, single submitter. Criteria: Ambry Variant Classification Scheme 2023. Collection method: clinical testing. Allele origin: germline.

Labcorp Genetics (formerly Invitae), Labcorp
Classification: Uncertain significance for Primary ciliary dyskinesia. Last evaluated: 2021-09-01. Review status: criteria provided, single submitter. Criteria: Invitae Variant Classification Sherloc (09022015). Collection method: clinical testing. Allele origin: germline.
Comment: This sequence change replaces arginine with cysteine at codon 3314 of the DNAH5 protein (p.Arg3314Cys). The arginine residue is highly conserved and there is a large physicochemical difference between arginine and cysteine. This variant is present in population databases (rs755923477, ExAC 0.002%). This variant has not been reported in the literature in individuals affected with DNAH5-related conditions. Algorithms developed to predict the effect of missense changes on protein structure and function are either unavailable or do not agree on the potential impact of this missense change (SIFT: "Deleterious"; PolyPhen-2: "Benign"; Align-GVGD: "Class C0"). In summary, the available evidence is currently insufficient to determine the role of this variant in disease. Therefore, it has been classified as a Variant of Uncertain Significance.